The following is an entry in ClinVar:

ClinVar aggregate classification (germline): Conflicting classifications of pathogenicity. Review status: criteria provided, conflicting classifications (1 of 4 stars). 3 submissions from 3 submitters: Uncertain significance (1); Benign (1); Likely benign (1). Last evaluated 2026-01-05.

Conditions:
Inborn genetic diseases. Identifiers: MedGen C0950123, MeSH D030342.

Allele frequency attached by ClinVar (database versions not stated): gnomAD exomes 0.00005 and 0.00012; ExAC 0.00013; 1000 Genomes Project 30x 0.00016; gnomAD 0.00034 and 0.00035; TOPMed 0.00036; ESP Exome Variant Server 0.00049.
gnomAD v4.1: 139 of 1,613,908 alleles (0.0086%); highest among the groups gnomAD compares: African/African-American, 0.1%; no homozygotes.

Submissions (3):

Labcorp Genetics (formerly Invitae), Labcorp
Classification: Uncertain significance. Last evaluated: 2026-01-05. Review status: criteria provided, single submitter. Criteria: Invitae Variant Classification Sherloc (09022015). Collection method: clinical testing. Allele origin: germline.
Comment: This sequence change replaces valine, which is neutral and non-polar, with isoleucine, which is neutral and non-polar, at codon 766 of the KIAA0753 protein (p.Val766Ile). This variant is present in population databases (rs189105609, gnomAD 0.1%). This variant has not been reported in the literature in individuals affected with KIAA0753-related conditions. ClinVar contains an entry for this variant (Variation ID: 1524933). An algorithm developed to predict the effect of missense changes on protein structure and function outputs the following: PolyPhen-2: "Benign". The isoleucine amino acid residue is found in multiple mammalian species, which suggests that this missense change does not adversely affect protein function. In summary, the available evidence is currently insufficient to determine the role of this variant in disease. Therefore, it has been classified as a Variant of Uncertain Significance.

Blueprint Genetics
Classification: Benign. Last evaluated: 2024-06-25. Review status: criteria provided, single submitter. Criteria: ACMG Guidelines, 2015. Collection method: clinical testing. Allele origin: germline.

Ambry Genetics
Classification: Likely benign for Inborn genetic diseases. Last evaluated: 2023-12-11. Review status: criteria provided, single submitter. Criteria: Ambry Variant Classification Scheme 2023. Collection method: clinical testing. Allele origin: germline.

NM_014804.3(KIAA0753):c.2296G>A (p.Val766Ile)

Gene: KIAA0753 (KIAA0753; minus strand). Cytogenetic location: 17p13.1.
Variant type: single nucleotide variant.
Coding change: c.2296G>A on transcript NM_014804.3 (MANE Select); coding-DNA position 2296, G replaced by A.
Protein change: p.Val766Ile; replaces valine 766 with isoleucine.
Molecular consequence: missense variant. On other transcripts: non-coding transcript variant (3).
Genome position (GRCh38, 1-based): chr17:6,596,220, C>T on the plus strand (G>A on the coding strand, the complement: KIAA0753 is on the minus strand). VCF-style: chr17-6596220-C-T. GRCh37 (hg19) VCF-style: chr17-6499540-C-T.
Other names: c.2296G>A (NM_014804.2); c.1399G>A, p.Val467Ile (NM_001351225.2); short protein forms V467I, V766I.
Identifiers: ClinVar variation 1524933 (VCV001524933.6), dbSNP rs189105609, ClinGen allele CA8330201.